The following is an entry in ClinVar:

ClinVar aggregate classification (germline): Uncertain significance. Review status: criteria provided, multiple submitters, no conflicts (2 of 4 stars). 3 submissions from 3 submitters: Uncertain significance (3). Last evaluated 2025-12-01.

Allele frequency attached by ClinVar (database versions not stated): ExAC 0.00004; gnomAD 0.00019; TOPMed 0.00025; 1000 Genomes Project 30x 0.00031; ESP Exome Variant Server 0.00031.
gnomAD v4.1: 62 of 1,612,900 alleles (0.0038%); highest among the groups gnomAD compares: African/African-American, 0.061%; 1 homozygote.

Submissions (3):

Labcorp Genetics (formerly Invitae), Labcorp
Classification: Uncertain significance. Last evaluated: 2025-12-01. Review status: criteria provided, single submitter. Criteria: Invitae Variant Classification Sherloc (09022015). Collection method: clinical testing. Allele origin: germline.
Comment: This sequence change replaces isoleucine, which is neutral and non-polar, with methionine, which is neutral and non-polar, at codon 298 of the NDUFAF1 protein (p.Ile298Met). This variant is present in population databases (rs141408814, gnomAD 0.06%), and has an allele count higher than expected for a pathogenic variant. This variant has not been reported in the literature in individuals affected with NDUFAF1-related conditions. ClinVar contains an entry for this variant (Variation ID: 2187887). Invitae Evidence Modeling of protein sequence and biophysical properties (such as structural, functional, and spatial information, amino acid conservation, physicochemical variation, residue mobility, and thermodynamic stability) indicates that this missense variant is expected to disrupt NDUFAF1 protein function with a positive predictive value of 80%. In summary, the available evidence is currently insufficient to determine the role of this variant in disease. Therefore, it has been classified as a Variant of Uncertain Significance.

GeneDx
Classification: Uncertain significance. Last evaluated: 2025-04-21. Review status: criteria provided, single submitter. Criteria: GeneDx Variant Classification Process June 2021. Collection method: clinical testing. Allele origin: germline. Affected: yes.
Comment: In silico analysis indicates that this missense variant does not alter protein structure/function; Has not been previously published as pathogenic or benign to our knowledge

Ambry Genetics
Classification: Uncertain significance. Last evaluated: 2025-01-01. Review status: criteria provided, single submitter. Criteria: Ambry Variant Classification Scheme 2023. Collection method: clinical testing. Allele origin: germline.

NM_016013.4(NDUFAF1):c.894A>G (p.Ile298Met)

Gene: NDUFAF1 (NADH:ubiquinone oxidoreductase complex assembly factor 1; minus strand). Cytogenetic location: 15q15.1.
Variant type: single nucleotide variant.
Coding change: c.894A>G on transcript NM_016013.4 (MANE Select); coding-DNA position 894, A replaced by G.
Protein change: p.Ile298Met; replaces isoleucine 298 with methionine.
Molecular consequence: missense variant. On other transcripts: non-coding transcript variant (1).
Genome position (GRCh38, 1-based): chr15:41,387,534, T>C on the plus strand (A>G on the coding strand, the complement: NDUFAF1 is on the minus strand). VCF-style: chr15-41387534-T-C. GRCh37 (hg19) VCF-style: chr15-41679732-T-C.
Other names: c.894A>G (NM_016013.2); short protein forms I298M.
Identifiers: ClinVar variation 2187887 (VCV002187887.7), dbSNP rs141408814, ClinGen allele CA7491200.